The following is an entry in ClinVar:

NM_000093.5(COL5A1):c.5348G>C (p.Arg1783Pro)

Genes: COL5A1 (collagen type V alpha 1 chain; plus strand), LOC101448202 (uncharacterized LOC101448202; minus strand). Cytogenetic location: 9q34.3.
Variant type: single nucleotide variant.
Coding change: c.5348G>C on transcript NM_000093.5 (MANE Select); coding-DNA position 5348, G replaced by C.
Protein change: p.Arg1783Pro; replaces arginine 1783 with proline.
Molecular consequence: missense variant.
Genome position (GRCh38, 1-based): chr9:134,835,182, G>C. VCF-style: chr9-134835182-G-C. GRCh37 (hg19) VCF-style: chr9-137727028-G-C.
Other names: c.5348G>C, p.Arg1783Pro (NM_001278074.1); short protein forms R1783P.
Identifiers: ClinVar variation 2831275 (VCV002831275.3), dbSNP rs777045810, ClinGen allele CA375460961.

ClinVar aggregate classification (germline): Uncertain significance (1 of 4 stars; one submission).

Conditions:
Ehlers-Danlos syndrome, classic type, 1 (EDSCL1). Also called: EHLERS-DANLOS SYNDROME, GRAVIS TYPE; EHLERS-DANLOS SYNDROME, SEVERE CLASSIC TYPE; Ehlers-Danlos syndrome, type 1; Ehlers-Danlos Syndrome, Classic Type, COL5A1-Related; EDS I. Identifiers: MedGen C0268335, MONDO:0019567, OMIM 130000.

Submission:

Labcorp Genetics (formerly Invitae), Labcorp
Classification: Uncertain significance for Ehlers-Danlos syndrome, classic type, 1. Last evaluated: 2023-01-23. Review status: criteria provided, single submitter. Criteria: Invitae Variant Classification Sherloc (09022015). Collection method: clinical testing. Allele origin: germline.
Comment: This sequence change replaces arginine, which is basic and polar, with proline, which is neutral and non-polar, at codon 1783 of the COL5A1 protein (p.Arg1783Pro). This variant is not present in population databases (gnomAD no frequency). This missense change has been observed in individual(s) with clinical features of Ehlers-Danlos syndrome (Invitae). Advanced modeling of protein sequence and biophysical properties (such as structural, functional, and spatial information, amino acid conservation, physicochemical variation, residue mobility, and thermodynamic stability) performed at Invitae indicates that this missense variant is not expected to disrupt COL5A1 protein function. In summary, the available evidence is currently insufficient to determine the role of this variant in disease. Therefore, it has been classified as a Variant of Uncertain Significance.